The following is an entry in ClinVar:

NM_021971.4(GMPPB):c.573G>A (p.Thr191=)

Gene: GMPPB (GDP-mannose pyrophosphorylase B; minus strand). Cytogenetic location: 3p21.31.
Variant type: single nucleotide variant.
Coding change: c.573G>A on transcript NM_021971.4 (MANE Select); coding-DNA position 573, G replaced by A.
Protein change: p.Thr191=; no amino-acid change (threonine 191 retained).
Molecular consequence: synonymous variant.
Genome position (GRCh38, 1-based): chr3:49,722,499, C>T on the plus strand (G>A on the coding strand, the complement: GMPPB is on the minus strand). VCF-style: chr3-49722499-C-T. GRCh37 (hg19) VCF-style: chr3-49759932-C-T.
Other names: c.573G>A, p.Thr191= (NM_013334.4).
Identifiers: ClinVar variation 1544655 (VCV001544655.32), dbSNP rs775798814, ClinGen allele CA2405505.

ClinVar aggregate classification (germline): Likely benign. Review status: criteria provided, multiple submitters, no conflicts (2 of 4 stars). 2 submissions from 2 submitters: Likely benign (2). Last evaluated 2024-03-24.

Conditions:
Muscular dystrophy-dystroglycanopathy (congenital with impaired intellectual development), type B, 14. Also called: Congenital muscular dystrophy-dystroglycanopathy with mental retardation, type B14; Muscular dystrophy-dystroglycanopathy (congenital with intellectual disability), type B14; MUSCULAR DYSTROPHY, CONGENITAL, GMPPB-RELATED. Identifiers: MedGen C3809221, MONDO:0014141, OMIM 615351.
Autosomal recessive limb-girdle muscular dystrophy type 2T. Also called: MUSCULAR DYSTROPHY-DYSTROGLYCANOPATHY, LIMB-GIRDLE, GMPPB-RELATED; MUSCULAR DYSTROPHY, LIMB-GIRDLE, TYPE 2T; Muscular dystrophy-dystroglycanopathy (limb-girdle), type c, 14; Limb-girdle muscular dystrophy-dystroglycanopathy, type C14. Identifiers: Orphanet 363623, MedGen C4518000, MONDO:0014142, OMIM 615352.
Muscular dystrophy-dystroglycanopathy (congenital with brain and eye anomalies), type A14. Also called: Congenital muscular dystrophy-dystroglycanopathy with brain and eye anomalies, type A14; WALKER-WARBURG SYNDROME OR MUSCLE-EYE-BRAIN DISEASE, GMPPB-RELATED; Muscular dystrophy-dystroglycanopathy (congenital with brain and eye anomalies), type a, 14; Congenital Muscular Dystrophy-Dystroglycanopathy with Brain and Eye Anomalies Type A 14. Identifiers: Orphanet 588, MedGen C3809216, MONDO:0014140, OMIM 615350.

Allele frequency attached by ClinVar (database versions not stated): ExAC 0.00001; TOPMed 0.00002; gnomAD exomes 0.00001; gnomAD 0.00003.

Submissions (2):

Labcorp Genetics (formerly Invitae), Labcorp
Classification: Likely benign for Autosomal recessive limb-girdle muscular dystrophy type 2T; Muscular dystrophy-dystroglycanopathy (congenital with brain and eye anomalies), type A14; Muscular dystrophy-dystroglycanopathy (congenital with impaired intellectual development), type B, 14. Last evaluated: 2024-03-24. Review status: criteria provided, single submitter. Criteria: Invitae Variant Classification Sherloc (09022015). Collection method: clinical testing. Allele origin: germline.

CeGaT Center for Human Genetics Tuebingen
Classification: Likely benign. Last evaluated: 2022-12-01. Review status: criteria provided, single submitter. Criteria: CeGaT Center For Human Genetics Tuebingen Variant Classification Criteria Version 2. Collection method: clinical testing. Allele origin: germline. Affected: yes. Observed: 1 variant allele.
Comment: GMPPB: BP4, BP7